The following is an entry in ClinVar:

NM_000214.3(JAG1):c.3410A>G (p.Lys1137Arg)

Gene: JAG1 (jagged canonical Notch ligand 1; minus strand). Cytogenetic location: 20p12.2.
Variant type: single nucleotide variant.
Coding change: c.3410A>G on transcript NM_000214.3 (MANE Select); coding-DNA position 3410, A replaced by G.
Protein change: p.Lys1137Arg; replaces lysine 1137 with arginine.
Molecular consequence: missense variant.
Genome position (GRCh38, 1-based): chr20:10,639,745, T>C on the plus strand (A>G on the coding strand, the complement: JAG1 is on the minus strand). VCF-style: chr20-10639745-T-C. GRCh37 (hg19) VCF-style: chr20-10620393-T-C.
Other names: c.3410A>G (NM_000214.2); short protein forms K1137R.
Identifiers: ClinVar variation 2200239 (VCV002200239.9), dbSNP rs756835554, ClinGen allele CA9764209.

ClinVar aggregate classification (germline): Likely benign. Review status: criteria provided, multiple submitters, no conflicts (2 of 4 stars). 3 submissions from 3 submitters: Likely benign (2). 1 of the submissions does not count toward it. Last evaluated 2026-02-01.

Conditions:
Alagille syndrome due to a JAG1 point mutation. Also called: Alagille Syndrome 1; HEPATIC DUCTULAR HYPOPLASIA, SYNDROMATIC; JAG1-Related Alagille Syndrome. Identifiers: Orphanet 261619, Orphanet 52, MedGen C1956125, MONDO:0016862, OMIM 118450.
JAG1-related disorder. Also called: JAG1-related disorders; JAG1-related condition.
Cardiovascular phenotype. Identifiers: MedGen CN230736.

Allele frequency attached by ClinVar (database versions not stated): TOPMed below 0.00001; ExAC 0.00001; gnomAD exomes 0.00001.
gnomAD v4.1: 4 of 1,614,170 alleles (0.00025%); highest among the groups gnomAD compares: Admixed American, 0.005%; no homozygotes.

Submissions (3):

Labcorp Genetics (formerly Invitae), Labcorp
Classification: Likely benign for Alagille syndrome due to a JAG1 point mutation. Last evaluated: 2026-02-01. Review status: criteria provided, single submitter. Criteria: Invitae Variant Classification Sherloc (09022015). Collection method: clinical testing. Allele origin: germline.

Ambry Genetics
Classification: Likely benign for Cardiovascular phenotype. Last evaluated: 2025-04-14. Review status: criteria provided, single submitter. Criteria: Ambry Variant Classification Scheme 2023. Collection method: clinical testing. Allele origin: germline.

PreventionGenetics, part of Exact Sciences
Classification: Uncertain significance for JAG1-related condition. Last evaluated: 2024-02-17. Review status: no assertion criteria provided. Collection method: clinical testing. Allele origin: germline. Not counted in ClinVar's aggregate classification.
Comment: The JAG1 c.3410A>G variant is predicted to result in the amino acid substitution p.Lys1137Arg. To our knowledge, this variant has not been reported in the literature. This variant is reported in 0.0099% of alleles in individuals of Ashkenazi Jewish descent in gnomAD. At this time, the clinical significance of this variant is uncertain due to the absence of conclusive functional and genetic evidence.